The following is an entry in ClinVar:

ClinVar aggregate classification (germline): Uncertain significance. Review status: criteria provided, multiple submitters, no conflicts (2 of 4 stars). 7 submissions from 7 submitters: Uncertain significance (7). Last evaluated 2026-06-16.

Conditions:
Dilated cardiomyopathy 1II (CMD1II). Identifiers: Orphanet 154, MedGen C3554649, MONDO:0014073, OMIM 615184.
Cardiovascular phenotype. Identifiers: MedGen CN230736.
Myofibrillar myopathy 2. Also called: MYOPATHY, MYOFIBRILLAR, 2A, ADULT-ONSET; MYOPATHY, MYOFIBRILLAR, WITH OR WITHOUT CATARACT AND/OR CARDIOMYOPATHY; MYOPATHY, DESMIN-RELATED, ASSOCIATED WITH MUTATION IN THE CRYAB GENE; MYOPATHY, MYOFIBRILLAR, ALPHA-B CRYSTALLIN-RELATED. Identifiers: Orphanet 280553, Orphanet 399058, MedGen C1837317, MONDO:0012130.
Fatal infantile hypertonic myofibrillar myopathy (MFM2B). Also called: MFM, FATAL INFANTILE HYPERTONIC, ALPHA-B CRYSTALLIN-RELATED; MYOPATHY, MYOFIBRILLAR, 2B, INFANTILE-ONSET. Identifiers: Orphanet 280553, MedGen C5190691, MONDO:0013472, OMIM 613869.
Cataract 16 multiple types. Also called: CATARACT, CONGENITAL LAMELLAR; CATARACT 16, POSTERIOR POLAR; CATARACT 16, CONGENITAL LAMELLAR. Identifiers: Orphanet 91492, Orphanet 98992, Orphanet 98993, Orphanet 98995, MedGen C3808377, MONDO:0013411, OMIM 613763.

Allele frequency attached by ClinVar (database versions not stated): gnomAD 0.00005 and 0.00004; ExAC 0.00002; TOPMed 0.00003; gnomAD exomes 0.00002.
gnomAD v4.1: 25 of 1,613,932 alleles (0.0015%); highest among the groups gnomAD compares: Admixed American, 0.0033%; no homozygotes.

Submissions (7):

Women's Health and Genetics/Laboratory Corporation of America, LabCorp
Classification: Uncertain significance. Last evaluated: 2026-06-16. Review status: criteria provided, single submitter. Criteria: LabCorp Variant Classification Summary - May 2015. Collection method: clinical testing. Allele origin: germline.
Comment: Variant summary: CRYAB c.367C>T (p.Arg123Trp) results in a non-conservative amino acid change in the encoded protein sequence. Algorithms developed to predict the effect of missense changes on protein structure and function all suggest that this variant is likely to be disruptive. The variant allele was found at a frequency of 2e-05 in 251260 control chromosomes. c.367C>T has been observed in a presumably heterozygous state in an individual affected with Distal anterior myopathy with weakness of neck muscle, but not found in the similarly affected mother (Westra_2019). It was also reported in a presumably heterozygous state in two adult monozygotic twins with hypertrophic cardiomyopathy (Maron_2020). At least one publication reports experimental evidence evaluating an impact on protein function. The most pronounced variant effect results in diastolic dysfunction in Cryab-R123W knock-in mouses (Chou_2023) and 30%-50% of normal chaperone activity (Somee_2024). The following publications have been ascertained in the context of this evaluation (PMID: 37435054, 32430163, 38307443, 31127727). ClinVar contains an entry for this variant (Variation ID: 393088). Based on the evidence outlined above, the variant was classified as uncertain significance.

Labcorp Genetics (formerly Invitae), Labcorp
Classification: Uncertain significance for Dilated cardiomyopathy 1II. Last evaluated: 2025-06-17. Review status: criteria provided, single submitter. Criteria: Invitae Variant Classification Sherloc (09022015). Collection method: clinical testing. Allele origin: germline.
Comment: This sequence change replaces arginine, which is basic and polar, with tryptophan, which is neutral and slightly polar, at codon 123 of the CRYAB protein (p.Arg123Trp). This variant is present in population databases (rs534473091, gnomAD 0.004%). This missense change has been observed in individual(s) with CRYAB-related conditions (PMID: 31127727, 32430163). ClinVar contains an entry for this variant (Variation ID: 393088). An algorithm developed to predict the effect of missense changes on protein structure and function (PolyPhen-2) suggests that this variant is likely to be disruptive. Experimental studies have shown that this missense change affects CRYAB function (PMID: 37435054, 38307443). In summary, the available evidence is currently insufficient to determine the role of this variant in disease. Therefore, it has been classified as a Variant of Uncertain Significance.

Ambry Genetics
Classification: Uncertain significance for Cardiovascular phenotype. Last evaluated: 2025-02-06. Review status: criteria provided, single submitter. Criteria: Ambry Variant Classification Scheme 2023. Collection method: clinical testing. Allele origin: germline.
Comment: The p.R123W variant (also known as c.367C>T), located in coding exon 3 of the CRYAB gene, results from a C to T substitution at nucleotide position 367. The arginine at codon 123 is replaced by tryptophan, an amino acid with dissimilar properties. This variant has been detected individuals with hypertrophic cardiomyopathy (HCM) (van Lint FHM et al. Neth Heart J, 2019 Jun;27:304-309; Maron BJ et al. Am J Cardiol. 2020 Jul;127:135-138). An animal model expressing this variant exhibited some features consistent with HCM (Chou C et al. Front Cardiovasc Med, 2023 Jun;10:1223244). This amino acid position is well conserved in available vertebrate species. In addition, this alteration is predicted to be deleterious by in silico analysis. Based on the available evidence, the clinical significance of this variant remains unclear.

Revvity Omics, Revvity
Classification: Uncertain significance. Last evaluated: 2024-12-27. Review status: criteria provided, single submitter. Criteria: ACMG Guidelines, 2015. Collection method: clinical testing. Allele origin: germline.

Dasa
Classification: Uncertain significance. Last evaluated: 2024-07-29. Review status: criteria provided, single submitter. Criteria: DASA Assertion Criteria. Collection method: clinical testing. Allele origin: germline.
Comment: NM_001289808.2(CRYAB):c.367C>T (p.Arg123Trp) is a missense variant that results in the substitution of arginine with tryptophan. This variant is rare in population databases. Computational prediction algorithms are consistent with a deleterious effect. The currently available literature and clinical evidence are not sufficient to establish a definitive association between this variant and the reported condition. Therefore, this variant is classified as a variant of uncertain significance.

GeneDx
Classification: Uncertain significance. Last evaluated: 2023-05-24. Review status: criteria provided, single submitter. Criteria: GeneDx Variant Classification Process June 2021. Collection method: clinical testing. Allele origin: germline. Affected: yes.
Comment: Has not been reported in association with cardiomyopathy to our knowledge; Not observed at a significant frequency in large population cohorts (gnomAD); In silico analysis, which includes protein predictors and evolutionary conservation, supports a deleterious effect; This variant is associated with the following publications: (PMID: 32430163, 31127727)

Fulgent Genetics
Classification: Uncertain significance for Cataract 16 multiple types; Fatal infantile hypertonic myofibrillar myopathy; Dilated cardiomyopathy 1II. Last evaluated: 2021-08-25. Review status: criteria provided, single submitter. Criteria: ACMG Guidelines, 2015. Collection method: clinical testing. Allele origin: unknown.

Literature cited by the submitters: PubMed 31127727 (cited by 3 submitters); PubMed 37435054 (cited by 3 submitters); PubMed 32430163 (cited by 3 submitters); PubMed 38307443 (cited by 3 submitters); PubMed 30847666 (cited by Ambry Genetics).

NM_001289808.2(CRYAB):c.367C>T (p.Arg123Trp)

Gene: CRYAB (crystallin alpha B; minus strand). Cytogenetic location: 11q23.1.
Variant type: single nucleotide variant.
Coding change: c.367C>T on transcript NM_001289808.2 (MANE Select); coding-DNA position 367, C replaced by T.
Protein change: p.Arg123Trp; replaces arginine 123 with tryptophan.
Molecular consequence: missense variant.
Genome position (GRCh38, 1-based): chr11:111,908,925, G>A on the plus strand (C>T on the coding strand, the complement: CRYAB is on the minus strand). VCF-style: chr11-111908925-G-A. GRCh37 (hg19) VCF-style: chr11-111779649-G-A.
Other names: c.367C>T, p.Arg123Trp (NM_001289807.1, NM_001368245.1, NM_001885.3); c.166C>T, p.Arg56Trp (NM_001330379.1, NM_001368246.1); short protein forms R123W, R56W.
Identifiers: ClinVar variation 393088 (VCV000393088.18), dbSNP rs534473091, ClinGen allele CA6275471.